The following is an entry in ClinVar:

NM_015627.3(LDLRAP1):c.89-1G>C

Gene: LDLRAP1 (low density lipoprotein receptor adaptor protein 1; plus strand). Cytogenetic location: 1p36.11.
Variant type: single nucleotide variant.
Coding change: c.89-1G>C on transcript NM_015627.3 (MANE Select); the canonical splice acceptor site of the intron before coding-DNA position 89, G replaced by C.
Molecular consequence: splice acceptor variant.
Genome position (GRCh38, 1-based): chr1:25,553,921, G>C. VCF-style: chr1-25553921-G-C. GRCh37 (hg19) VCF-style: chr1-25880412-G-C.
Other names: IVS1AS, G-C, -1.
Identifiers: ClinVar variation 4779 (VCV000004779.17), dbSNP rs755104973, ClinGen allele CA695429.

ClinVar aggregate classification (germline): Pathogenic. Review status: criteria provided, multiple submitters, no conflicts (2 of 4 stars). 7 submissions from 7 submitters: Pathogenic (6). 1 of the submissions does not count toward it. Last evaluated 2025-04-11.

Conditions:
LDLRAP1-related disorders.
Familial hypercholesterolemia. Also called: Familial hypercholesterolaemia; Familial hypercholesterolemias. Identifiers: MedGen C0020445, MONDO:0005439.
Hypercholesterolemia, familial, 4 (FHCL4). Also called: HYPERCHOLESTEROLEMIA, AUTOSOMAL RECESSIVE, 1; HYPERCHOLESTEROLEMIA, AUTOSOMAL RECESSIVE, 2. Identifiers: Orphanet 391665, MedGen C1863512, MONDO:0011374, OMIM 603813.

Allele frequency attached by ClinVar (database versions not stated): gnomAD exomes below 0.00001; ExAC 0.00001.
gnomAD v4.1: 2 of 1,613,616 alleles (0.00012%); highest among the groups gnomAD compares: Non-Finnish European, 0.00017%; no homozygotes.

Submissions (7):

Natera, Inc.
Classification: Pathogenic for Familial hypercholesterolemia. Last evaluated: 2025-04-11. Review status: criteria provided, single submitter. Criteria: Natera Variant Classification Schema (03/2026). Collection method: clinical testing. Allele origin: germline.
Comment: The c.89-1G>C variant in LDLRAP1 is a canonical splice acceptor site variant predicted to affect pre-mRNA splicing, which may result in an abnormal transcript and altered protein product. This variant is expected to result in nonsense mediated decay, truncation, or a dysfunctional protein product. This variant is rare in the general population with a frequency below the threshold expected for the associated phenotype(s). This variant has been observed in one or more individuals affected with the associated recessive disease, as either homozygous or compound heterozygous with a second variant (PMID: 15485476, 28965616, 27079874). Additionally, this variant has been observed to segregate in affected family members (PMID: 12016260). Given the available evidence, this variant is classified as Pathogenic.

Blueprint Genetics
Classification: Pathogenic for LDLRAP1-related disorders. Last evaluated: 2023-12-21. Review status: criteria provided, single submitter. Criteria: ACMG Guidelines, 2015. Collection method: clinical testing. Allele origin: germline. Affected: yes. Observed: 5 variant alleles.

Labcorp Genetics (formerly Invitae), Labcorp
Classification: Pathogenic for Hypercholesterolemia, familial, 4. Last evaluated: 2023-08-16. Review status: criteria provided, single submitter. Criteria: Invitae Variant Classification Sherloc (09022015). Collection method: clinical testing. Allele origin: germline.
Comment: This variant is present in population databases (rs755104973, gnomAD 0.0009%). Disruption of this splice site has been observed in individual(s) with autosomal recessive hypercholesterolemia (PMID: 12016260, 15485476, 28965616). It has also been observed to segregate with disease in related individuals. ClinVar contains an entry for this variant (Variation ID: 4779). This sequence change affects an acceptor splice site in intron 1 of the LDLRAP1 gene. It is expected to disrupt RNA splicing. Variants that disrupt the donor or acceptor splice site typically lead to a loss of protein function (PMID: 16199547), and loss-of-function variants in LDLRAP1 are known to be pathogenic (PMID: 11326085, 12464675). For these reasons, this variant has been classified as Pathogenic. Algorithms developed to predict the effect of sequence changes on RNA splicing suggest that this variant may disrupt the consensus splice site.

Genome-Nilou Lab
Classification: Pathogenic for Hypercholesterolemia, familial, 4. Last evaluated: 2023-04-11. Review status: criteria provided, single submitter. Criteria: ACMG Guidelines, 2015. Collection method: clinical testing. Allele origin: germline. Affected: no.

Revvity Omics, Revvity
Classification: Pathogenic for Hypercholesterolemia, familial, 4. Last evaluated: 2022-10-19. Review status: criteria provided, single submitter. Criteria: ACMG Guidelines, 2015. Collection method: clinical testing. Allele origin: germline.

Fulgent Genetics
Classification: Pathogenic for Hypercholesterolemia, familial, 4. Last evaluated: 2021-09-23. Review status: criteria provided, single submitter. Criteria: ACMG Guidelines, 2015. Collection method: clinical testing. Allele origin: unknown.

OMIM
Classification: Pathogenic for HYPERCHOLESTEROLEMIA, FAMILIAL, 4, AUTOSOMAL RECESSIVE. Last evaluated: 2003-09-05. Review status: no assertion criteria provided. Collection method: literature only. Allele origin: germline. Not counted in ClinVar's aggregate classification.

Literature cited by the submitters: PubMed 15485476 (cited by Natera, Inc. and Labcorp Genetics (formerly Invitae), Labcorp); PubMed 28965616 (cited by Natera, Inc. and Labcorp Genetics (formerly Invitae), Labcorp); PubMed 27079874 (cited by Natera, Inc.); PubMed 12016260 (cited by 3 submitters); PubMed 16199547 (cited by Labcorp Genetics (formerly Invitae), Labcorp); PubMed 11326085 (cited by Labcorp Genetics (formerly Invitae), Labcorp); PubMed 12464675 (cited by Labcorp Genetics (formerly Invitae), Labcorp); PubMed 12958143 (cited by OMIM).